The following is an entry in ClinVar:

NM_153033.5(KCTD7):c.259A>G (p.Ile87Val)

Gene: KCTD7 (potassium channel tetramerization domain containing 7; plus strand). Cytogenetic location: 7q11.21.
Variant type: single nucleotide variant.
Coding change: c.259A>G on transcript NM_153033.5 (MANE Select); coding-DNA position 259, A replaced by G.
Protein change: p.Ile87Val; replaces isoleucine 87 with valine.
Molecular consequence: missense variant.
Genome position (GRCh38, 1-based): chr7:66,633,389, A>G. VCF-style: chr7-66633389-A-G. GRCh37 (hg19) VCF-style: chr7-66098376-A-G.
Other names: c.259A>G, p.Ile87Val (NM_001167961.2); short protein forms I87V.
Identifiers: ClinVar variation 934736 (VCV000934736.8), dbSNP rs1182254636, ClinGen allele CA367695666.
Genomic context (GRCh38, chr7:66,633,389, plus strand): 5'-TCCACACTGCGGTGCTACGAAGACACCATGTTGGCAGCCATGTTCAGTGGGCGGCACTAC[A>G]TCCCCACGGACTCCGAGGGCCGGTACTTCATCGACCGAGATGGCACACACTTTGGGTATG-3'
Protein context (NP_694578.1, residues 77-97): LAAMFSGRHY[Ile87Val]PTDSEGRYFI

ClinVar aggregate classification (germline): Uncertain significance. Review status: criteria provided, multiple submitters, no conflicts (2 of 4 stars). 2 submissions from 2 submitters: Uncertain significance (2). Last evaluated 2025-09-28.

Conditions:
Inborn genetic diseases. Identifiers: MedGen C0950123, MeSH D030342.
Progressive myoclonic epilepsy type 3. Also called: EPILEPSY, PROGRESSIVE MYOCLONIC, 3, WITHOUT INTRACELLULAR INCLUSIONS; KCTD7-Related Progressive Myoclonic Epilepsy; EPILEPSY, PROGRESSIVE MYOCLONIC, 3, WITH OR WITHOUT INTRACELLULAR INCLUSIONS; CEROID LIPOFUSCINOSIS, NEURONAL, 14. Identifiers: Orphanet 263516, MedGen C2673257, MONDO:0012721, OMIM 611726.

Allele frequency attached by ClinVar (database versions not stated): gnomAD exomes below 0.00001; gnomAD 0.00001; TOPMed 0.00001.

Submissions (2):

Ambry Genetics
Classification: Uncertain significance for Inborn genetic diseases. Last evaluated: 2025-09-28. Review status: criteria provided, single submitter. Criteria: Ambry Variant Classification Scheme 2023. Collection method: clinical testing. Allele origin: germline.

Labcorp Genetics (formerly Invitae), Labcorp
Classification: Uncertain significance for Progressive myoclonic epilepsy type 3. Last evaluated: 2022-08-09. Review status: criteria provided, single submitter. Criteria: Invitae Variant Classification Sherloc (09022015). Collection method: clinical testing. Allele origin: germline.
Comment: This sequence change replaces isoleucine, which is neutral and non-polar, with valine, which is neutral and non-polar, at codon 87 of the KCTD7 protein (p.Ile87Val). This variant is not present in population databases (gnomAD no frequency). This variant has not been reported in the literature in individuals affected with KCTD7-related conditions. ClinVar contains an entry for this variant (Variation ID: 934736). Algorithms developed to predict the effect of missense changes on protein structure and function (SIFT, PolyPhen-2, Align-GVGD) all suggest that this variant is likely to be tolerated. In summary, the available evidence is currently insufficient to determine the role of this variant in disease. Therefore, it has been classified as a Variant of Uncertain Significance.